The following is an entry in ClinVar:

NM_001111067.4(ACVR1):c.343C>T (p.Pro115Ser)

Gene: ACVR1 (activin A receptor type 1; minus strand). Cytogenetic location: 2q24.1.
Variant type: single nucleotide variant.
Coding change: c.343C>T on transcript NM_001111067.4 (MANE Select); coding-DNA position 343, C replaced by T.
Protein change: p.Pro115Ser; replaces proline 115 with serine.
Molecular consequence: missense variant.
Genome position (GRCh38, 1-based): chr2:157,778,331, G>A on the plus strand (C>T on the coding strand, the complement: ACVR1 is on the minus strand). VCF-style: chr2-157778331-G-A. GRCh37 (hg19) VCF-style: chr2-158634843-G-A.
Other names: c.343C>T, p.Pro115Ser (NM_001105.5, NM_001347663.1, NM_001347664.1 and 3 more transcripts); short protein forms P115S.
Identifiers: ClinVar variation 2754704 (VCV002754704.3), dbSNP rs2467962220, ClinGen allele CA349193134.

ClinVar aggregate classification (germline): Uncertain significance (1 of 4 stars; one submission).

gnomAD v4.1: 1 of 1,613,796 alleles (0.000062%); highest among the groups gnomAD compares: Non-Finnish European, 0.000085%; no homozygotes.

Submission:

Labcorp Genetics (formerly Invitae), Labcorp
Classification: Uncertain significance. Last evaluated: 2023-08-23. Review status: criteria provided, single submitter. Criteria: Invitae Variant Classification Sherloc (09022015). Collection method: clinical testing. Allele origin: germline.
Comment: Algorithms developed to predict the effect of missense changes on protein structure and function output the following: SIFT: "Not Available"; PolyPhen-2: "Benign"; Align-GVGD: "Not Available". The serine amino acid residue is found in multiple mammalian species, which suggests that this missense change does not adversely affect protein function. In summary, the available evidence is currently insufficient to determine the role of this variant in disease. Therefore, it has been classified as a Variant of Uncertain Significance. This variant has not been reported in the literature in individuals affected with ACVR1-related conditions. This variant is not present in population databases (gnomAD no frequency). This sequence change replaces proline, which is neutral and non-polar, with serine, which is neutral and polar, at codon 115 of the ACVR1 protein (p.Pro115Ser).